The following is an entry in ClinVar:

ClinVar aggregate classification (germline): Benign/Likely benign. Review status: criteria provided, multiple submitters, no conflicts (2 of 4 stars). 5 submissions from 5 submitters: Benign (2); Likely benign (2). 1 of the submissions does not count toward it. Last evaluated 2026-02-01.

Conditions:
CLCN4-related disorder. Identifiers: MedGen CN232948.

Allele frequency attached by ClinVar (database versions not stated): gnomAD exomes 0.00008 and 0.00021; ExAC 0.00029; 1000 Genomes Project 30x 0.00042; 1000 Genomes Project 0.00053; gnomAD 0.00071 and 0.00077; TOPMed 0.00086; ESP Exome Variant Server 0.00095.
gnomAD v4.1: 174 of 1,208,604 alleles (0.014%); highest among the groups gnomAD compares: African/African-American, 0.23%; no homozygotes.

Submissions (5):

CeGaT Center for Human Genetics Tuebingen
Classification: Likely benign. Last evaluated: 2026-02-01. Review status: criteria provided, single submitter. Criteria: CeGaT Center For Human Genetics Tuebingen Variant Classification Criteria Version 2. Collection method: clinical testing. Allele origin: germline. Affected: yes. Observed: 2 variant alleles.
Comment: CLCN4: BP4, BP7, BS2

Labcorp Genetics (formerly Invitae), Labcorp
Classification: Benign. Last evaluated: 2026-01-27. Review status: criteria provided, single submitter. Criteria: Invitae Variant Classification Sherloc (09022015). Collection method: clinical testing. Allele origin: germline.

Blueprint Genetics
Classification: Likely benign. Last evaluated: 2024-06-24. Review status: criteria provided, single submitter. Criteria: ACMG Guidelines, 2015. Collection method: clinical testing. Allele origin: germline.

GeneDx
Classification: Benign. Last evaluated: 2019-08-26. Review status: criteria provided, single submitter. Criteria: GeneDx Variant Classification Process June 2021. Collection method: clinical testing. Allele origin: germline. Affected: yes.

PreventionGenetics, part of Exact Sciences
Classification: Likely benign for CLCN4-related condition. Last evaluated: 2020-03-17. Review status: no assertion criteria provided. Collection method: clinical testing. Allele origin: germline. Not counted in ClinVar's aggregate classification.
Comment: This variant is classified as likely benign based on ACMG/AMP sequence variant interpretation guidelines (Richards et al. 2015 PMID: 25741868, with internal and published modifications).

NM_001830.4(CLCN4):c.1548C>T (p.Tyr516=)

Gene: CLCN4 (Cl-/H+ antiporter 4; plus strand). Cytogenetic location: Xp22.2.
Variant type: single nucleotide variant.
Coding change: c.1548C>T on transcript NM_001830.4 (MANE Select); coding-DNA position 1548, C replaced by T.
Protein change: p.Tyr516=; no amino-acid change (tyrosine 516 retained).
Molecular consequence: synonymous variant.
Genome position (GRCh38, 1-based): chrX:10,212,625, C>T. VCF-style: chrX-10212625-C-T. GRCh37 (hg19) VCF-style: chrX-10180665-C-T.
Other names: c.1266C>T, p.Tyr422= (NM_001256944.2).
Identifiers: ClinVar variation 696345 (VCV000696345.22), dbSNP rs111332758, ClinGen allele CA10347246.